The following is an entry in ClinVar:

NM_014112.5(TRPS1):c.954del (p.Tyr319fs)

Gene: TRPS1 (transcriptional repressor GATA binding 1; minus strand). Cytogenetic location: 8q23.3.
Variant type: Deletion.
Coding change: c.954del on transcript NM_014112.5 (MANE Select); coding-DNA position 954, one base deleted (C; older notation c.954delC).
Protein change: p.Tyr319fs; shifts the reading frame from tyrosine 319.
Molecular consequence: frameshift variant.
Genome position (GRCh38, 1-based): chr8:115,619,144, G deleted on the plus strand (C on the coding strand, the reverse complement: TRPS1 is on the minus strand); the first of 2 consecutive G bases (chr8:115,619,144-115,619,145); deleting either gives the same sequence. VCF-style (leftmost placement, unchanged base first): chr8-115619143-AG-A. GRCh37 (hg19) VCF-style: chr8-116631370-AG-A.
Other names: c.927del, p.Tyr310fs (NM_001282902.3); c.933del, p.Tyr312fs (NM_001282903.3); c.915del, p.Tyr306fs (NM_001330599.2); short protein forms Y306fs, Y310fs, Y312fs, Y319fs.
Identifiers: ClinVar variation 3755502 (VCV003755502.2).
Genomic context (GRCh38, chr8:115,619,143, plus strand): 5'-TCATTTCTAATAACTTTTTCTGTACAAAGAGACAATACAAAGTACAAACCTGCACATCAT[AG>A]GTCCCATTTAGTAAAACAGGCCTTGAAGAATTGATGTCCTGCAGCACACCAGAAAACACA-3'

ClinVar aggregate classification (germline): Pathogenic (1 of 4 stars; one submission).

Conditions:
Trichorhinophalangeal dysplasia type I (TRPS1). Also called: TRICHORHINOPHALANGEAL SYNDROME, TYPE I; TRPS I. Identifiers: Orphanet 77258, MedGen C0432233, MONDO:0008596, OMIM 190350.
Trichorhinophalangeal syndrome, type III (TRPS3). Also called: SUGIO-KAJII SYNDROME. Identifiers: Orphanet 77258, MedGen C1860823, OMIM 190351, MONDO:0008597.

Submission:

Labcorp Genetics (formerly Invitae), Labcorp
Classification: Pathogenic for Trichorhinophalangeal syndrome, type III; Trichorhinophalangeal dysplasia type I. Last evaluated: 2024-03-24. Review status: criteria provided, single submitter. Criteria: Invitae Variant Classification Sherloc (09022015). Collection method: clinical testing. Allele origin: germline.
Comment: This sequence change creates a premature translational stop signal (p.Tyr319Metfs*5) in the TRPS1 gene. It is expected to result in an absent or disrupted protein product. Loss-of-function variants in TRPS1 are known to be pathogenic (PMID: 11112658). This variant is not present in population databases (gnomAD no frequency). This variant has not been reported in the literature in individuals affected with TRPS1-related conditions. For these reasons, this variant has been classified as Pathogenic.

Literature cited by the submitters: PubMed 11112658.